The following is an entry in ClinVar:

NM_001035.3(RYR2):c.3890C>A (p.Thr1297Asn)

Genes: RYR2 (ryanodine receptor 2; plus strand), LOC126806067 (BRD4-independent group 4 enhancer GRCh37_chr1:237753258-237754457; plus strand). Cytogenetic location: 1q43.
Variant type: single nucleotide variant.
Coding change: c.3890C>A on transcript NM_001035.3 (MANE Select); coding-DNA position 3890, C replaced by A.
Protein change: p.Thr1297Asn; replaces threonine 1297 with asparagine.
Molecular consequence: missense variant.
Genome position (GRCh38, 1-based): chr1:237,590,722, C>A. VCF-style: chr1-237590722-C-A. GRCh37 (hg19) VCF-style: chr1-237754022-C-A.
Other names: short protein forms T1297N.
Identifiers: ClinVar variation 3074387 (VCV003074387.2), dbSNP rs746350036, ClinGen allele CA086491.

ClinVar aggregate classification (germline): Uncertain significance. Review status: criteria provided, multiple submitters, no conflicts (2 of 4 stars). 2 submissions from 2 submitters: Uncertain significance (2). Last evaluated 2023-11-02.

Conditions:
Cardiomyopathy (CMYO). Also called: Cardiomyopathies. Identifiers: Orphanet 167848, MedGen C0878544, MONDO:0004994, HP:0001638. Inheritance: Various modes of inheritance.
Catecholaminergic polymorphic ventricular tachycardia (CVPT). Also called: Catecholamine-induced polymorphic ventricular tachycardia. Identifiers: Orphanet 3286, MedGen C5574922, MONDO:0017990.

Allele frequency attached by ClinVar (database versions not stated): ExAC 0.00002.
gnomAD v4.1: 3 of 1,611,192 alleles (0.00019%); highest among the groups gnomAD compares: Non-Finnish European, 0.00017%; no homozygotes.

Submissions (2):

All of Us Research Program, National Institutes of Health
Classification: Uncertain significance for Catecholaminergic polymorphic ventricular tachycardia. Last evaluated: 2023-11-02. Review status: criteria provided, single submitter. Criteria: ACMG Guidelines, 2015. Collection method: clinical testing. Allele origin: germline. Inheritance: Autosomal dominant inheritance. Observed: 1 variant allele, 1 heterozygote.
Comment: This missense variant replaces threonine with asparagine at codon 1297 of the RYR2 protein. Computational prediction suggests that this variant may not impact protein structure and function (internally defined REVEL score threshold <= 0.5, PMID: 27666373). To our knowledge, functional studies have not been reported for this variant. This variant has not been reported in individuals affected with RYR2-related disorders in the literature. This variant has been identified in 2/247116 chromosomes in the general population by the Genome Aggregation Database (gnomAD). The available evidence is insufficient to determine the role of this variant in disease conclusively. Therefore, this variant is classified as a Variant of Uncertain Significance.

This study involves interpretation of variants in research participants for the purpose of population health screening. Participant phenotype was not available at the time of variant classification. Additional details can be found in publication PMID: 35346344, PMCID: PMC8962531

Color Diagnostics, LLC DBA Color Health
Classification: Uncertain significance for Cardiomyopathy. Last evaluated: 2023-10-11. Review status: criteria provided, single submitter. Criteria: ACMG Guidelines, 2015. Collection method: clinical testing. Allele origin: germline.
Comment: This missense variant replaces threonine with asparagine at codon 1297 of the RYR2 protein. Computational prediction suggests that this variant may not impact protein structure and function. To our knowledge, functional studies have not been reported for this variant. This variant has not been reported in individuals affected with RYR2-related disorders in the literature. This variant has been identified in 2/247116 chromosomes in the general population by the Genome Aggregation Database (gnomAD). The available evidence is insufficient to determine the role of this variant in disease conclusively. Therefore, this variant is classified as a Variant of Uncertain Significance.